The following is an entry in ClinVar:

ClinVar aggregate classification (germline): Conflicting classifications of pathogenicity. Review status: criteria provided, conflicting classifications (1 of 4 stars). 4 submissions from 4 submitters: Pathogenic (1); Likely pathogenic (2); Uncertain significance (1). Last evaluated 2024-08-05.

Conditions:
Mucopolysaccharidosis, MPS-III-B (MPS3B). Also called: SANFILIPPO SYNDROME B; MPS III B; MUCOPOLYSACCHARIDOSIS, TYPE IIIB; Mucopolysaccharidosis type IIIB (Sanfilippo B); MPS IIIB (Sanfilippo Syndrome Type B); N-ACETYL-ALPHA-D-GLUCOSAMINIDASE DEFICIENCY. Identifiers: Orphanet 79270, MedGen C0086648, MONDO:0009656, OMIM 252920.
Charcot-Marie-Tooth disease axonal type 2V. Also called: CHARCOT-MARIE-TOOTH NEUROPATHY, TYPE 2V; CHARCOT-MARIE-TOOTH DISEASE, AXONAL, AUTOSOMAL DOMINANT, TYPE 2V. Identifiers: Orphanet 447964, MedGen C5569050, MONDO:0014665, OMIM 616491.
Inborn genetic diseases. Identifiers: MedGen C0950123, MeSH D030342.

Allele frequency attached by ClinVar (database versions not stated): gnomAD exomes below 0.00001; ExAC 0.00001; gnomAD 0.00001.

Submissions (4):

Institute of Medical Genetics and Applied Genomics, University Hospital Tübingen
Classification: Likely pathogenic for Mucopolysaccharidosis, MPS-III-B. Last evaluated: 2024-08-05. Review status: criteria provided, single submitter. Criteria: ACMG Guidelines, 2015. Collection method: clinical testing. Allele origin: germline. Inheritance: Autosomal recessive inheritance. Affected: yes.

Labcorp Genetics (formerly Invitae), Labcorp
Classification: Uncertain significance for Charcot-Marie-Tooth disease axonal type 2V; Mucopolysaccharidosis, MPS-III-B. Last evaluated: 2022-03-23. Review status: criteria provided, single submitter. Criteria: Invitae Variant Classification Sherloc (09022015). Collection method: clinical testing. Allele origin: germline.
Comment: This sequence change replaces alanine, which is neutral and non-polar, with valine, which is neutral and non-polar, at codon 664 of the NAGLU protein (p.Ala664Val). The frequency data for this variant in the population databases is considered unreliable, as metrics indicate poor data quality at this position in the gnomAD database. This missense change has been observed in individual(s) with Sanfilippo syndrome type B (PMID: 9443878). In at least one individual the data is consistent with being in trans (on the opposite chromosome) from a pathogenic variant. ClinVar contains an entry for this variant (Variation ID: 521840). Advanced modeling of protein sequence and biophysical properties (such as structural, functional, and spatial information, amino acid conservation, physicochemical variation, residue mobility, and thermodynamic stability) performed at Invitae indicates that this missense variant is expected to disrupt NAGLU protein function. Experimental studies have shown that this missense change affects NAGLU function (PMID: 9443878, 29979746). Algorithms developed to predict the effect of sequence changes on RNA splicing suggest that this variant may create or strengthen a splice site. In summary, the available evidence is currently insufficient to determine the role of this variant in disease. Therefore, it has been classified as a Variant of Uncertain Significance.

Foundation for Research in Genetics and Endocrinology, FRIGE's Institute of Human Genetics
Classification: Likely pathogenic for Mucopolysaccharidosis, MPS-III-B. Last evaluated: 2022-01-08. Review status: criteria provided, single submitter. Criteria: ACMG Guidelines, 2015. Collection method: clinical testing. Allele origin: germline. Inheritance: Autosomal recessive inheritance. Affected: yes. Observed: 1 homozygote.
Comment: A Homozygous missense variation in exon 6 of the NAGLU gene that results in the amino acid substitution of Valine for alanine at codon 664 was detected. The observed variant c.1991C>T (p.Ala664Val) has not been reported in the 1000 genomes and has a MAF of 0.0004% in the gnomAD databases. The in silico prediction of the variant are possibly damaging by LRT, SIFT, PROVEAN and MutationTaster2. The reference codon is conserved across species. In summary, the variant meets our criteria to be classified as likely pathogenic.

Ambry Genetics
Classification: Pathogenic for Inborn genetic diseases. Last evaluated: 2017-06-20. Review status: criteria provided, single submitter. Criteria: Ambry exome assertion method (8-5-2015). Collection method: clinical testing. Allele origin: germline. Affected: yes. Observed: 1 variant allele.

Literature cited by the submitters: PubMed 9443878 (cited by Labcorp Genetics (formerly Invitae), Labcorp and Ambry Genetics); PubMed 29979746 (cited by Labcorp Genetics (formerly Invitae), Labcorp).

NM_000263.4(NAGLU):c.1991C>T (p.Ala664Val)

Gene: NAGLU (N-acetyl-alpha-glucosaminidase; plus strand). Cytogenetic location: 17q21.2.
Variant type: single nucleotide variant.
Coding change: c.1991C>T on transcript NM_000263.4 (MANE Select); coding-DNA position 1991, C replaced by T.
Protein change: p.Ala664Val; replaces alanine 664 with valine.
Molecular consequence: missense variant.
Genome position (GRCh38, 1-based): chr17:42,543,997, C>T. VCF-style: chr17-42543997-C-T. GRCh37 (hg19) VCF-style: chr17-40696015-C-T.
Other names: p.Ala664Val; short protein forms A664V.
Identifiers: ClinVar variation 521840 (VCV000521840.8), dbSNP rs746006696, ClinGen allele CA8577127.